The following is an entry in ClinVar:

NM_006182.4(DDR2):c.882A>C (p.Lys294Asn)

Gene: DDR2 (discoidin domain receptor tyrosine kinase 2; plus strand). Cytogenetic location: 1q23.3.
Variant type: single nucleotide variant.
Coding change: c.882A>C on transcript NM_006182.4 (MANE Select); coding-DNA position 882, A replaced by C.
Protein change: p.Lys294Asn; replaces lysine 294 with asparagine.
Molecular consequence: missense variant.
Genome position (GRCh38, 1-based): chr1:162,761,237, A>C. VCF-style: chr1-162761237-A-C. GRCh37 (hg19) VCF-style: chr1-162731027-A-C.
Other names: c.882A>C, p.Lys294Asn (NM_001014796.3, NM_001354982.2, NM_001354983.2); short protein forms K294N.
Identifiers: ClinVar variation 2189950 (VCV002189950.1), dbSNP rs2524917054, ClinGen allele CA343409151.

ClinVar aggregate classification (germline): Uncertain significance (1 of 4 stars; one submission).

Allele frequency attached by ClinVar (database versions not stated): gnomAD exomes below 0.00001.
gnomAD v4.1: 5 of 1,614,116 alleles (0.00031%); highest among the groups gnomAD compares: Non-Finnish European, 0.00042%; no homozygotes.

Submission:

Labcorp Genetics (formerly Invitae), Labcorp
Classification: Uncertain significance. Last evaluated: 2022-10-24. Review status: criteria provided, single submitter. Criteria: Invitae Variant Classification Sherloc (09022015). Collection method: clinical testing. Allele origin: germline.
Comment: This sequence change replaces lysine, which is basic and polar, with asparagine, which is neutral and polar, at codon 294 of the DDR2 protein (p.Lys294Asn). This variant is not present in population databases (gnomAD no frequency). This variant has not been reported in the literature in individuals affected with DDR2-related conditions. Algorithms developed to predict the effect of missense changes on protein structure and function are either unavailable or do not agree on the potential impact of this missense change (SIFT: "Deleterious"; PolyPhen-2: "Benign"; Align-GVGD: "Class C35"). In summary, the available evidence is currently insufficient to determine the role of this variant in disease. Therefore, it has been classified as a Variant of Uncertain Significance.